The following is an entry in ClinVar:

NM_000052.7(ATP7A):c.3210C>T (p.His1070=)

Gene: ATP7A (ATPase copper transporting alpha; plus strand). Cytogenetic location: Xq21.1.
Variant type: single nucleotide variant.
Coding change: c.3210C>T on transcript NM_000052.7 (MANE Select); coding-DNA position 3210, C replaced by T.
Protein change: p.His1070=; no amino-acid change (histidine 1070 retained).
Molecular consequence: synonymous variant. On other transcripts: non-coding transcript variant (1).
Genome position (GRCh38, 1-based): chrX:78,031,498, C>T. VCF-style: chrX-78031498-C-T. GRCh37 (hg19) VCF-style: chrX-77286996-C-T.
Other names: c.2976C>T, p.His992= (NM_001282224.2); c.3210C>T (NM_000052.4).
Identifiers: ClinVar variation 703919 (VCV000703919.17), dbSNP rs185917115, ClinGen allele CA10459389.

ClinVar aggregate classification (germline): Benign/Likely benign. Review status: criteria provided, multiple submitters, no conflicts (2 of 4 stars). 6 submissions from 6 submitters: Benign (3); Likely benign (1). 2 of the submissions do not count toward it. Last evaluated 2026-01-18.

Conditions:
ATP7A-related disorder. Also called: ATP7A-related condition.
Menkes kinky-hair syndrome (MNK). Also called: Copper transport disease; Menkes Disease; Classic Menkes Disease. Identifiers: Orphanet 565, MedGen C0022716, MONDO:0010651, OMIM 309400.
Inborn genetic diseases. Identifiers: MedGen C0950123, MeSH D030342.
X-linked distal spinal muscular atrophy type 3. Also called: ATP7A-Related Distal Motor Neuropathy; NEURONOPATHY, DISTAL HEREDITARY MOTOR, X-LINKED; SPINAL MUSCULAR ATROPHY, DISTAL, X-LINKED RECESSIVE; NEUROPATHY, DISTAL HEREDITARY MOTOR, X-LINKED. Identifiers: Orphanet 139557, MedGen C1845359, MONDO:0010338, OMIM 300489.
Cutis laxa, X-linked (OHS). Also called: EDS IX; Occipital horn syndrome. Identifiers: Orphanet 198, MedGen C0268353, MONDO:0010572, OMIM 304150.

Allele frequency attached by ClinVar (database versions not stated): gnomAD exomes 0.00010 and 0.00057; gnomAD 0.00012 and 0.00017; TOPMed 0.00023; ExAC 0.00066; 1000 Genomes Project 30x 0.00166; 1000 Genomes Project 0.00185.
gnomAD v4.1: 142 of 1,208,995 alleles (0.012%); highest among the groups gnomAD compares: East Asian, 0.35%; no homozygotes.

Submissions (6):

Labcorp Genetics (formerly Invitae), Labcorp
Classification: Benign for X-linked distal spinal muscular atrophy type 3; Cutis laxa, X-linked; Menkes kinky-hair syndrome. Last evaluated: 2026-01-18. Review status: criteria provided, single submitter. Criteria: Invitae Variant Classification Sherloc (09022015). Collection method: clinical testing. Allele origin: germline.

Blueprint Genetics
Classification: Likely benign. Last evaluated: 2024-11-06. Review status: criteria provided, single submitter. Criteria: ACMG Guidelines, 2015. Collection method: clinical testing. Allele origin: germline.

GeneDx
Classification: Benign. Last evaluated: 2020-03-02. Review status: criteria provided, single submitter. Criteria: GeneDx Variant Classification Process June 2021. Collection method: clinical testing. Allele origin: germline. Affected: yes.

Ambry Genetics
Classification: Benign for Inborn genetic diseases. Last evaluated: 2018-02-21. Review status: criteria provided, single submitter. Criteria: Ambry Variant Classification Scheme 2023. Collection method: clinical testing. Allele origin: germline.

PreventionGenetics, part of Exact Sciences
Classification: Benign for ATP7A-related condition. Last evaluated: 2024-03-06. Review status: no assertion criteria provided. Collection method: clinical testing. Allele origin: germline. Not counted in ClinVar's aggregate classification.
Comment: This variant is classified as benign based on ACMG/AMP sequence variant interpretation guidelines (Richards et al. 2015 PMID: 25741868, with internal and published modifications).

Natera, Inc.
Classification: Benign for Menkes kinky hair syndrome. Last evaluated: 2020-04-11. Review status: no assertion criteria provided. Collection method: clinical testing. Allele origin: germline. Not counted in ClinVar's aggregate classification.